The following is an entry in ClinVar:

ClinVar aggregate classification (germline): Uncertain significance (1 of 4 stars; one submission).

Conditions:
PRPH2-related disorder. Also called: PRPH2-related disorders; PRPH2-related condition. Identifiers: MedGen CN239395.

Submission:

Labcorp Genetics (formerly Invitae), Labcorp
Classification: Uncertain significance for PRPH2-related disorder. Last evaluated: 2022-12-26. Review status: criteria provided, single submitter. Criteria: Invitae Variant Classification Sherloc (09022015). Collection method: clinical testing. Allele origin: germline.
Comment: This variant has not been reported in the literature in individuals affected with PRPH2-related conditions. In summary, the available evidence is currently insufficient to determine the role of this variant in disease. Therefore, it has been classified as a Variant of Uncertain Significance. Algorithms developed to predict the effect of missense changes on protein structure and function are either unavailable or do not agree on the potential impact of this missense change (SIFT: "Not Available"; PolyPhen-2: "Benign"; Align-GVGD: "Not Available"). Information on the frequency of this variant in the gnomAD database is not available, as this variant may be reported differently in the database. This sequence change replaces arginine, which is basic and polar, with glutamic acid, which is acidic and polar, at codon 310 of the PRPH2 protein (p.Arg310Glu).

NM_000322.5(PRPH2):c.928_929delinsGA (p.Arg310Glu)

Gene: PRPH2 (peripherin 2; minus strand). Cytogenetic location: 6p21.1.
Variant type: Indel.
Coding change: c.928_929delinsGA on transcript NM_000322.5 (MANE Select); coding-DNA positions 928 to 929, AG replaced by GA.
Protein change: p.Arg310Glu; replaces arginine 310 with glutamic acid.
Molecular consequence: missense variant.
Genome position (GRCh38, 1-based): chr6:42,698,407-42,698,408, CT replaced by TC on the plus strand (AG replaced by GA on the coding strand, the reverse complement: PRPH2 is on the minus strand). VCF-style: chr6-42698407-CT-TC. GRCh37 (hg19) VCF-style: chr6-42666145-CT-TC.
Other names: short protein forms R310E.
Identifiers: ClinVar variation 2807219 (VCV002807219.3), dbSNP rs2548298330, ClinGen allele CA2739273032.